The following is an entry in ClinVar:

ClinVar aggregate classification (germline): Uncertain significance. Review status: criteria provided, multiple submitters, no conflicts (2 of 4 stars). 2 submissions from 2 submitters: Uncertain significance (2). Last evaluated 2025-01-27.

Conditions:
Frasier syndrome. Identifiers: Orphanet 347, MedGen C0950122, MeSH D052159, MONDO:0007635, OMIM 136680.
Wilms tumor 1 (WT1). Also called: Wilms tumor, somatic. Identifiers: Orphanet 654, MedGen CN033288, MONDO:0008679, OMIM 194070.
Drash syndrome (DDS). Also called: WILMS TUMOR AND PSEUDO- OR TRUE HERMAPHRODITISM; NEPHROPATHY, WILMS TUMOR, AND GENITAL ANOMALIES. Identifiers: Orphanet 220, MedGen C0950121, MONDO:0008682, OMIM 194080.
11p partial monosomy syndrome (WAGR). Also called: WAGR Complex; WAGR Spectrum Disorder; WAGR syndrome; CHROMOSOME 11p13 DELETION SYNDROME. Identifiers: Orphanet 893, MedGen C0206115, MONDO:0008681, OMIM 194072.
Inborn genetic diseases. Identifiers: MedGen C0950123, MeSH D030342.

Submissions (2):

Ambry Genetics
Classification: Uncertain significance for Inborn genetic diseases. Last evaluated: 2025-01-27. Review status: criteria provided, single submitter. Criteria: Ambry Variant Classification Scheme 2023. Collection method: clinical testing. Allele origin: germline.
Comment: The p.H137L variant (also known as c.410A>T), located in coding exon 1 of the WT1 gene, results from an A to T substitution at nucleotide position 410. The histidine at codon 137 is replaced by leucine, an amino acid with similar properties. This amino acid position is conserved. In addition, the in silico prediction for this alteration is inconclusive. Based on the available evidence, the clinical significance of this variant remains unclear.

Labcorp Genetics (formerly Invitae), Labcorp
Classification: Uncertain significance for Wilms tumor 1; Drash syndrome; 11p partial monosomy syndrome; Frasier syndrome. Last evaluated: 2021-12-11. Review status: criteria provided, single submitter. Criteria: Invitae Variant Classification Sherloc (09022015). Collection method: clinical testing. Allele origin: germline.
Comment: In summary, the available evidence is currently insufficient to determine the role of this variant in disease. Therefore, it has been classified as a Variant of Uncertain Significance. Algorithms developed to predict the effect of missense changes on protein structure and function are either unavailable or do not agree on the potential impact of this missense change (SIFT: "Deleterious"; PolyPhen-2: "Benign"; Align-GVGD: "Class C65"). This variant has not been reported in the literature in individuals affected with WT1-related conditions. This variant is not present in population databases (gnomAD no frequency). This sequence change replaces histidine, which is basic and polar, with leucine, which is neutral and non-polar, at codon 137 of the WT1 protein (p.His137Leu).

NM_024426.6(WT1):c.425A>T (p.His142Leu)

Genes: WT1 (WT1 transcription factor; minus strand), LOC107982234 (WT1/WT1-AS bi-directional promoter region; plus strand). Cytogenetic location: 11p13.
Variant type: single nucleotide variant.
Coding change: c.425A>T on transcript NM_024426.6 (MANE Select); coding-DNA position 425, A replaced by T.
Protein change: p.His142Leu; replaces histidine 142 with leucine.
Molecular consequence: missense variant. On other transcripts: non-coding transcript variant (1).
Genome position (GRCh38, 1-based): chr11:32,434,936, T>A on the plus strand (A>T on the coding strand, the complement: WT1 is on the minus strand). VCF-style: chr11-32434936-T-A. GRCh37 (hg19) VCF-style: chr11-32456482-T-A.
Other names: c.425A>T, p.His142Leu (NM_000378.6, NM_024424.5); c.410A>T (NM_024426.4); short protein forms H142L.
Identifiers: ClinVar variation 1400877 (VCV001400877.7), dbSNP rs1565001515, ClinGen allele CA379965685.